The following is an entry in ClinVar:

ClinVar aggregate classification (germline): Uncertain significance. Review status: criteria provided, multiple submitters, no conflicts (2 of 4 stars). 2 submissions from 2 submitters: Uncertain significance (2). Last evaluated 2025-11-22.

Submissions (2):

Labcorp Genetics (formerly Invitae), Labcorp
Classification: Uncertain significance. Last evaluated: 2025-11-22. Review status: criteria provided, single submitter. Criteria: Invitae Variant Classification Sherloc (09022015). Collection method: clinical testing. Allele origin: germline.
Comment: This sequence change replaces aspartic acid, which is acidic and polar, with alanine, which is neutral and non-polar, at codon 97 of the LZTS1 protein (p.Asp97Ala). This variant is not present in population databases (gnomAD no frequency). This variant has not been reported in the literature in individuals affected with LZTS1-related conditions. ClinVar contains an entry for this variant (Variation ID: 3541738). Invitae Evidence Modeling of protein sequence and biophysical properties (such as structural, functional, and spatial information, amino acid conservation, physicochemical variation, residue mobility, and thermodynamic stability) indicates that this missense variant is not expected to disrupt LZTS1 protein function with a negative predictive value of 80%. In summary, the available evidence is currently insufficient to determine the role of this variant in disease. Therefore, it has been classified as a Variant of Uncertain Significance.

Ambry Genetics
Classification: Uncertain significance. Last evaluated: 2024-10-12. Review status: criteria provided, single submitter. Criteria: Ambry Variant Classification Scheme 2023. Collection method: clinical testing. Allele origin: germline.

NM_021020.5(LZTS1):c.290A>C (p.Asp97Ala)

Gene: LZTS1 (leucine zipper tumor suppressor 1; minus strand). Cytogenetic location: 8p21.3.
Variant type: single nucleotide variant.
Coding change: c.290A>C on transcript NM_021020.5 (MANE Select); coding-DNA position 290, A replaced by C.
Protein change: p.Asp97Ala; replaces aspartic acid 97 with alanine.
Molecular consequence: missense variant.
Genome position (GRCh38, 1-based): chr8:20,254,892, T>G on the plus strand (A>C on the coding strand, the complement: LZTS1 is on the minus strand). VCF-style: chr8-20254892-T-G. GRCh37 (hg19) VCF-style: chr8-20112403-T-G.
Other names: c.290A>C, p.Asp97Ala (NM_001362884.2); short protein forms D97A.
Identifiers: ClinVar variation 3541738 (VCV003541738.2).